The following is an entry in ClinVar:

ClinVar aggregate classification (germline): Pathogenic. Review status: criteria provided, multiple submitters, no conflicts (2 of 4 stars). 9 submissions from 8 submitters: Pathogenic (6). 3 of the submissions do not count toward it. Last evaluated 2024-11-15.

Conditions:
Mucolipidosis. Also called: Mucolipidoses. Identifiers: Orphanet 79212, MedGen C0026697, MONDO:0019248.
Mucolipidosis type II. Also called: Mucolipidosis 2; ML 2; Inclusion cell disease; Leroy Disease; N-acetylglucosamine 1phosphotransferase deficiency; ML disorder type 2. Identifiers: Orphanet 576, MedGen C2673377, MONDO:0009650, OMIM 252500.
Pseudo-Hurler polydystrophy. Also called: Type III Mucolipidosis; ML IIIA; Mucolipidosis III Alpha/Beta; MUCOLIPIDOSIS IIIA; ML III; ML III ALPHA/BETA. Identifiers: Orphanet 423461, Orphanet 577, MedGen C0033788, MONDO:0018931, OMIM 252600.

Allele frequency attached by ClinVar (database versions not stated): TOPMed 0.00001.
gnomAD v4.1: 4 of 1,603,908 alleles (0.00025%); highest among the groups gnomAD compares: East Asian, 0.0022%; no homozygotes.

Submissions (9):

Natera, Inc.
Classification: Pathogenic for Mucolipidosis type II. Last evaluated: 2024-11-15. Review status: criteria provided, single submitter. Criteria: Natera Variant Classification Schema (03/2026). Collection method: clinical testing. Allele origin: germline.
Comment: The c.3613C>T variant in GNPTAB is a nonsense variant predicted to introduce a stop codon at amino acid 1205. This variant is expected to result in nonsense mediated decay, truncation, or a dysfunctional protein product. This variant is rare in the general population with a frequency below the threshold expected for the associated phenotype(s). This variant has been observed in one or more individuals affected with the associated recessive disease, as either homozygous or compound heterozygous with a second variant (PMID: 16630736, 16200072, 24375680). Given the available evidence, this variant is classified as Pathogenic.

Revvity Omics, Revvity
Classification: Pathogenic. Last evaluated: 2024-07-25. Review status: criteria provided, single submitter. Criteria: ACMG Guidelines, 2015. Collection method: clinical testing. Allele origin: germline.

Labcorp Genetics (formerly Invitae), Labcorp
Classification: Pathogenic for Pseudo-Hurler polydystrophy; Mucolipidosis type II. Last evaluated: 2024-01-29. Review status: criteria provided, single submitter. Criteria: Invitae Variant Classification Sherloc (09022015). Collection method: clinical testing. Allele origin: germline.
Comment: This sequence change creates a premature translational stop signal (p.Arg1205*) in the GNPTAB gene. It is expected to result in an absent or disrupted protein product. Loss-of-function variants in GNPTAB are known to be pathogenic (PMID: 19617216, 25107912). This variant is present in population databases (rs35333334, gnomAD 0.002%). This premature translational stop signal has been observed in individual(s) with clinical features of mucolipidosis type II (PMID: 16200072). ClinVar contains an entry for this variant (Variation ID: 38429). For these reasons, this variant has been classified as Pathogenic.

Kasturba Medical College, Manipal, Kasturba Medical College, Manipal, Manipal Academy of Higher Education, Manipal, India
Classification: Pathogenic for Mucolipidosis type II. Last evaluated: 2022-05-09. Review status: criteria provided, single submitter. Criteria: ACMG Guidelines, 2015. Collection method: clinical testing. Allele origin: germline. Affected: yes.

Women's Health and Genetics/Laboratory Corporation of America, LabCorp
Classification: Pathogenic for Mucolipidosis. Last evaluated: 2019-09-09. Review status: criteria provided, single submitter. Criteria: LabCorp Variant Classification Summary - May 2015. Collection method: clinical testing. Allele origin: germline.
Comment: Variant summary: GNPTAB c.3613C>T (p.Arg1205X) results in a premature termination codon, predicted to cause a truncation of the encoded protein or absence of the protein due to nonsense mediated decay, which are commonly known mechanisms for disease. The variant was absent in 251276 control chromosomes (gnomAD) but has been reported in the literature in multiple individuals (both homozygous and compound heterozygous states) affected with Mucolipidosis (Bargal_2006, Kudo_2006, Liu_2016, Tappino_2009). These data indicate that the variant is very likely to be associated with disease. Kudo_2006 measured enzymatic activity in fibroblasts derived from a patient homozygous for this mutation and found to be 4.4% of the activity in normal fibroblasts. A ClinVar submission (evaluation after 2014) cites the variant as pathogenic. Based on the evidence outlined above, the variant was classified as pathogenic.

Neuberg Centre For Genomic Medicine, NCGM
Classification: Pathogenic for Mucolipidosis type II. Review status: criteria provided, single submitter. Criteria: ACMG Guidelines, 2015. Collection method: clinical testing. Allele origin: germline. Affected: yes.
Comment: The stop gained p.R1205* in GNPTAB (NM_024312.5) has been previously reported in affected individuals with mucolipidosis (Tappino B et al; Liu S et al). Functional studies on skin fibroblasts have revealed a damaging effect (Kudo M et al).The variant has been submitted to ClinVar as Pathogenic. The p.R1205* variant is novel (not in any individuals) in gnomAD Exomes and is novel (not in any individuals) in 1000 Genomes. This variant is predicted to cause loss of normal protein function through protein truncation. Loss of function variants have been previously reported to be disease causing. For these reasons, this variant has been classified as Pathogenic.

Counsyl
Classification: Pathogenic for Mucolipidosis type II; Pseudo-Hurler polydystrophy. Last evaluated: 2017-11-21. Review status: no assertion criteria provided. Collection method: clinical testing. Allele origin: unknown. Not counted in ClinVar's aggregate classification.

GeneReviews
Classification: Pathogenic for Mucolipidosis III Alpha/Beta. Last evaluated: 2012-05-10. Review status: no assertion criteria provided. Collection method: curation. Allele origin: unknown. Not counted in ClinVar's aggregate classification.
ClinVar note: Converted during submission from pathologic to Pathogenic.

GeneReviews
No classification provided. Condition: Mucolipidosis type II. Review status: no classification provided. Collection method: literature only. Allele origin: unknown. Not counted in ClinVar's aggregate classification.

Literature cited by the submitters: PubMed 16630736 (cited by 3 submitters); PubMed 16200072 (cited by 5 submitters); PubMed 24375680 (cited by Natera, Inc.); PubMed 19617216 (cited by Labcorp Genetics (formerly Invitae), Labcorp); PubMed 25107912 (cited by Labcorp Genetics (formerly Invitae), Labcorp); PubMed 16465621 (cited by Women's Health and Genetics/Laboratory Corporation of America, LabCorp and Counsyl); PubMed 19634183 (cited by Women's Health and Genetics/Laboratory Corporation of America, LabCorp and Counsyl); PubMed 27662472 (cited by Women's Health and Genetics/Laboratory Corporation of America, LabCorp and Counsyl); PubMed 20301728 (cited by GeneReviews); NCBI Bookshelf NBK1828 (cited by GeneReviews).

NM_024312.5(GNPTAB):c.3613C>T (p.Arg1205Ter)

Gene: GNPTAB (N-acetylglucosamine-1-phosphate transferase subunits alpha and beta; minus strand). Cytogenetic location: 12q23.2.
Variant type: single nucleotide variant.
Coding change: c.3613C>T on transcript NM_024312.5 (MANE Select); coding-DNA position 3613, C replaced by T.
Protein change: p.Arg1205Ter; replaces arginine 1205 with a stop codon.
Molecular consequence: nonsense.
Genome position (GRCh38, 1-based): chr12:101,749,181, G>A on the plus strand (C>T on the coding strand, the complement: GNPTAB is on the minus strand). VCF-style: chr12-101749181-G-A. GRCh37 (hg19) VCF-style: chr12-102142959-G-A.
Other names: AY687932:c.3613C>T; short protein forms R1205*.
Identifiers: ClinVar variation 38429 (VCV000038429.24), dbSNP rs35333334, ClinGen allele CA343081.